The following is an entry in ClinVar:

NM_016507.4(CDK12):c.1999A>T (p.Thr667Ser)

Gene: CDK12 (cyclin dependent kinase 12; plus strand). Cytogenetic location: 17q12.
Variant type: single nucleotide variant.
Coding change: c.1999A>T on transcript NM_016507.4 (MANE Select); coding-DNA position 1999, A replaced by T.
Protein change: p.Thr667Ser; replaces threonine 667 with serine.
Molecular consequence: missense variant.
Genome position (GRCh38, 1-based): chr17:39,490,624, A>T. VCF-style: chr17-39490624-A-T. GRCh37 (hg19) VCF-style: chr17-37646877-A-T.
Other names: c.1999A>T, p.Thr667Ser (NM_015083.4); short protein forms T667S.
Identifiers: ClinVar variation 4651424 (VCV004651424.1).
Genomic context (GRCh38, chr17:39,490,624, plus strand): 5'-GAAACTCTTCCTTCAAAACCTGTGAAGAAAGAGAAGGAACAGAGGACACGTCACTTACTC[A>T]CAGACCTTCCTCTCCCTCCAGAGCTCCCTGGTGGAGATCTGTCTCCCCCAGACTCTCCAG-3'
Protein context (NP_057591.2, residues 657-677): EKEQRTRHLL[Thr667Ser]DLPLPPELPG

ClinVar aggregate classification (germline): Uncertain significance (1 of 4 stars; one submission).

gnomAD v4.1: 1 of 1,613,720 alleles (0.000062%); highest among the groups gnomAD compares: Non-Finnish European, 0.000085%; no homozygotes.

Submission:

Ambry Genetics
Classification: Uncertain significance. Last evaluated: 2025-11-02. Review status: criteria provided, single submitter. Criteria: Ambry Variant Classification Scheme 2023. Collection method: clinical testing. Allele origin: germline.
Comment: The p.T667S variant (also known as c.1999A>T), located in coding exon 3 of the CDK12 gene, results from an A to T substitution at nucleotide position 1999. The threonine at codon 667 is replaced by serine, an amino acid with similar properties. This amino acid position is conserved. In addition, this alteration is predicted to be tolerated by in silico analysis. Based on the available evidence, the clinical significance of this variant remains unclear.